The following is an entry in ClinVar:

ClinVar aggregate classification (germline): Likely benign. Review status: criteria provided, multiple submitters, no conflicts (2 of 4 stars). 3 submissions from 3 submitters: Likely benign (3). Last evaluated 2024-10-30.

Conditions:
Cardiovascular phenotype. Identifiers: MedGen CN230736.
Duchenne muscular dystrophy (DMD). Also called: Duchenne Muscular Dystrophy (DMD); MUSCULAR DYSTROPHY, PSEUDOHYPERTROPHIC PROGRESSIVE, DUCHENNE TYPE. Identifiers: Orphanet 98896, MedGen C0013264, MONDO:0010679, OMIM 310200.

Allele frequency attached by ClinVar (database versions not stated): gnomAD 0.00001; gnomAD exomes 0.00001; TOPMed 0.00002.
gnomAD v4.1: 3 of 1,202,638 alleles (0.00025%); highest among the groups gnomAD compares: African/African-American, 0.0053%; no homozygotes.

Submissions (3):

Labcorp Genetics (formerly Invitae), Labcorp
Classification: Likely benign for Duchenne muscular dystrophy. Last evaluated: 2024-10-30. Review status: criteria provided, single submitter. Criteria: Invitae Variant Classification Sherloc (09022015). Collection method: clinical testing. Allele origin: germline.

Ambry Genetics
Classification: Likely benign for Cardiovascular phenotype. Last evaluated: 2023-02-22. Review status: criteria provided, single submitter. Criteria: Ambry Variant Classification Scheme 2023. Collection method: clinical testing. Allele origin: germline.

GeneDx
Classification: Likely benign. Last evaluated: 2017-12-19. Review status: criteria provided, single submitter. Criteria: GeneDx Variant Classification (06012015). Collection method: clinical testing. Allele origin: germline. Affected: yes.
Comment: This variant is considered likely benign or benign based on one or more of the following criteria: it is a conservative change, it occurs at a poorly conserved position in the protein, it is predicted to be benign by multiple in silico algorithms, and/or has population frequency not consistent with disease.

NM_004006.3(DMD):c.1705-4G>T

Gene: DMD (dystrophin; minus strand). Cytogenetic location: Xp21.1.
Variant type: single nucleotide variant.
Coding change: c.1705-4G>T on transcript NM_004006.3 (MANE Select); 4 bases into the intron before coding-DNA position 1705, G replaced by T.
Molecular consequence: intron variant.
Genome position (GRCh38, 1-based): chrX:32,573,641, C>A on the plus strand (G>T on the coding strand, the complement: DMD is on the minus strand). VCF-style: chrX-32573641-C-A. GRCh37 (hg19) VCF-style: chrX-32591758-C-A.
Other names: c.1681-4G>T (NM_000109.4); c.1693-4G>T (NM_004009.3); c.1336-4G>T (NM_004010.3).
Identifiers: ClinVar variation 514127 (VCV000514127.12), dbSNP rs889499438, ClinGen allele CA658799677.
Genomic context (GRCh38, chrX:32,573,641, plus strand): 5'-TGTGTGAATCTTGTTCACTGCATCTTCTTTTTCTGAAAGCCATGCACTAAAAAGGCACTG[C>A]AAGACATTAAAGAATTCCAAGGAATAAATAAACATAAATCTTTACTTTTCCAATTTAATA-3'